The following is an entry in ClinVar:

ClinVar aggregate classification (germline): Conflicting classifications of pathogenicity. Review status: criteria provided, conflicting classifications (1 of 4 stars). 3 submissions from 3 submitters: Pathogenic (1); Uncertain significance (2). Last evaluated 2025-11-18.

Conditions:
Dilated cardiomyopathy 1O (CMD1O). Also called: CARDIOMYOPATHY, DILATED, WITH VENTRICULAR TACHYCARDIA. Identifiers: Orphanet 154, MedGen C1837839, MONDO:0012062, OMIM 608569.

Allele frequency attached by ClinVar (database versions not stated): ExAC 0.00001; gnomAD 0.00001.
gnomAD v4.1: 1 of 1,613,488 alleles (0.000062%); no homozygotes.

Submissions (3):

Labcorp Genetics (formerly Invitae), Labcorp
Classification: Pathogenic for Dilated cardiomyopathy 1O. Last evaluated: 2025-11-18. Review status: criteria provided, single submitter. Criteria: Invitae Variant Classification Sherloc (09022015). Collection method: clinical testing. Allele origin: germline.
Comment: This sequence change creates a premature translational stop signal (p.Gln57*) in the ABCC9 gene. It is expected to result in an absent or disrupted protein product. Loss-of-function variants in ABCC9 are known to be pathogenic (PMID: 31575858, 38217872). This variant is present in population databases (rs727502876, gnomAD 0.03%). This premature translational stop signal has been observed in individual(s) with dilated cardiomyopathy (PMID: 24503780, 27532257). ClinVar contains an entry for this variant (Variation ID: 162697). For these reasons, this variant has been classified as Pathogenic.

ARUP Laboratories, Molecular Genetics and Genomics, ARUP Laboratories
Classification: Uncertain significance. Last evaluated: 2024-08-20. Review status: criteria provided, single submitter. Criteria: ARUP Molecular Germline Variant Investigation Process 2024. Collection method: clinical testing. Allele origin: germline.
Comment: The ABCC9 c.169C>T; p.Gln57Ter variant (rs727502876) is reported in the literature in at least one individual affected with dilated cardiomyopathy, although it was not demonstrated to be disease-causing (Pugh 2014, Walsh 2017). This variant is only observed on one allele in the Genome Aggregation Database (v2.1.1), indicating it is not a common polymorphism. This variant induces an early termination codon and is predicted to result in a truncated protein or mRNA subject to nonsense-mediated decay. However, currently evidence for ABCC9 loss-of-function as a mechanism of disease remains limited (Bienengraeber 2004). Due to limited information, the clinical significance of this variant is uncertain at this time. References: Bienengraeber M et al. ABCC9 mutations identified in human dilated cardiomyopathy disrupt catalytic KATP channel gating. Nat Genet. 2004; 36(4): 382-387. PMID: 15034580 Pugh TJ et al. The landscape of genetic variation in dilated cardiomyopathy as surveyed by clinical DNA sequencing. Genet Med. 2014 Aug;16(8):601-8. PMID: 24503780. Walsh R et al. Reassessment of Mendelian gene pathogenicity using 7,855 cardiomyopathy cases and 60,706 reference samples. Genet Med. 2017 Feb;19(2):192-203. PMID: 27532257.

Laboratory for Molecular Medicine, Mass General Brigham Personalized Medicine
Classification: Uncertain significance. Last evaluated: 2018-03-02. Review status: criteria provided, single submitter. Criteria: LMM Criteria. Collection method: clinical testing. Allele origin: germline. Observed: 4 variant alleles.
Comment: proposed classification - variant undergoing re-assessment, contact laboratory

Literature cited by the submitters: PubMed 31575858 (cited by Labcorp Genetics (formerly Invitae), Labcorp); PubMed 38217872 (cited by Labcorp Genetics (formerly Invitae), Labcorp); PubMed 24503780 (cited by Labcorp Genetics (formerly Invitae), Labcorp and Laboratory for Molecular Medicine, Mass General Brigham Personalized Medicine); PubMed 27532257 (cited by Labcorp Genetics (formerly Invitae), Labcorp and Laboratory for Molecular Medicine, Mass General Brigham Personalized Medicine).

NM_020297.4(ABCC9):c.169C>T (p.Gln57Ter)

Gene: ABCC9 (ATP binding cassette subfamily C member 9; minus strand). Cytogenetic location: 12p12.1.
Variant type: single nucleotide variant.
Coding change: c.169C>T on transcript NM_020297.4 (MANE Select); coding-DNA position 169, C replaced by T.
Protein change: p.Gln57Ter; replaces glutamine 57 with a stop codon.
Molecular consequence: nonsense. On other transcripts: 5 prime UTR variant (1).
Genome position (GRCh38, 1-based): chr12:21,933,897, G>A on the plus strand (C>T on the coding strand, the complement: ABCC9 is on the minus strand). VCF-style: chr12-21933897-G-A. GRCh37 (hg19) VCF-style: chr12-22086831-G-A.
Other names: c.169C>T, p.Gln57Ter (NM_001377273.1, NM_005691.4); c.-286C>T (NM_001377274.1); short protein forms Q57*.
Identifiers: ClinVar variation 162697 (VCV000162697.8), dbSNP rs727502876, ClinGen allele CA175165.